The following is an entry in ClinVar:

ClinVar aggregate classification (germline): Conflicting classifications of pathogenicity. Review status: criteria provided, conflicting classifications (1 of 4 stars). 8 submissions from 8 submitters: Pathogenic (1); Likely pathogenic (3); Uncertain significance (3). 1 of the submissions does not count toward it. Last evaluated 2026-01-20.

Conditions:
Isolated thoracic aortic aneurysm.
Loeys-Dietz syndrome 2 (LDS2). Also called: AORTIC ANEURYSM, FAMILIAL THORACIC 3; Marfan Syndrome type 2; Marfan like connective tissue disorder; MFS 2; TGFBR2-Related Loeys-Dietz Syndrome; Marfan syndrome, type 2 (formerly). Identifiers: Orphanet 284973, Orphanet 558, MedGen C2674574, MONDO:0012427, OMIM 610168.
Colorectal cancer, hereditary nonpolyposis, type 6. Also called: Colon cancer, hereditary nonpolyposis, type 6; Colon cancer, hereditary nonpolyposis, type 6, somatic. Identifiers: Orphanet 144, MedGen C1860896, MONDO:0013695, OMIM 614331.
Malignant tumor of esophagus. Also called: Esophageal cancer; Esophageal cancer, somatic. Identifiers: Orphanet 99977, MedGen C0546837, MONDO:0007576, OMIM 133239.
Familial thoracic aortic aneurysm and aortic dissection (TAAD). Also called: Thoracic aortic aneurysms and dissections. Identifiers: Orphanet 91387, MedGen C4707243, MONDO:0019625.

Allele frequency attached by ClinVar (database versions not stated): gnomAD exomes below 0.00001 and 0.00001; gnomAD 0.00001; TOPMed 0.00002; ExAC 0.00003.

Submissions (8):

Labcorp Genetics (formerly Invitae), Labcorp
Classification: Pathogenic for Familial thoracic aortic aneurysm and aortic dissection. Last evaluated: 2026-01-20. Review status: criteria provided, single submitter. Criteria: Invitae Variant Classification Sherloc (09022015). Collection method: clinical testing. Allele origin: germline.
Comment: This sequence change affects an acceptor splice site in intron 1 of the TGFBR2 gene. RNA analysis indicates that disruption of this splice site induces altered splicing and likely results in the loss of 6 amino acid residue(s), but is expected to preserve the integrity of the reading-frame. This variant is present in population databases (rs779131465, gnomAD 0.02%). Disruption of this splice site has been observed in individual(s) with aortic dissection and/or Loeys-Dietz syndrome (PMID: 15731757, 33083483, 33824467, 36517271). In at least one individual the variant was observed to be de novo. ClinVar contains an entry for this variant (Variation ID: 12513). Studies have shown that disruption of this splice site results in the activation of a cryptic splice site in exon 2 (PMID: 15731757). For these reasons, this variant has been classified as Pathogenic.

Ambry Genetics
Classification: Uncertain significance for Familial thoracic aortic aneurysm and aortic dissection. Last evaluated: 2025-10-21. Review status: criteria provided, single submitter. Criteria: Ambry Variant Classification Scheme 2023. Collection method: clinical testing. Allele origin: germline.
Comment: The c.95-2A>G intronic variant results from an A to G substitution two nucleotides before coding exon 2 in the TGFBR2 gene. This variant was reported in individual(s) with features consistent with Loeys-Dietz syndrome (Loeys BL et al. Nat Genet, 2005 Mar;37:275-81; Yang H et al. Orphanet J Rare Dis, 2020 Jan;15:6; Wang Z et al. Biomed Res Int, 2020 Oct;2020:7857043; Li Y et al. Eur J Hum Genet, 2021 Jul;29:1129-1138; Liu B et al. Gene, 2022 Mar;814:146126; Han D et al. Mol Genet Genomic Med, 2024 Jul;12:e2482). This nucleotide position is highly conserved in available vertebrate species. In silico splice site analysis predicts that this alteration will weaken the native splice acceptor site and will result in the creation or strengthening of a novel splice acceptor site. Alterations that disrupt the canonical splice site are expected to cause aberrant splicing, resulting in an abnormal protein or a transcript that is subject to nonsense-mediated mRNA decay. However, loss of function has not been established as a mechanism of disease. Based on the available evidence, the clinical significance of this alteration remains unclear.

Color Diagnostics, LLC DBA Color Health
Classification: Uncertain significance for Familial thoracic aortic aneurysm and aortic dissection. Last evaluated: 2024-07-12. Review status: criteria provided, single submitter. Criteria: ACMG Guidelines, 2015. Collection method: clinical testing. Allele origin: germline.
Comment: This variant causes an A to G nucleotide substitution at the -2 position of intron 1 of the TGFBR2 gene. A functional RNA study has shown that this variant activates a cryptic splice acceptor 18 nucleotides downstream of the native intron 1 splice acceptor site, leading to an in-frame deletion of codon 32-37 in the extracellular domain (PMID: 15731757). Protein functional studies have not been reported for this variant, however, a study in primary dermal fibroblasts from a carrier individual reported a normal rate and level of phosphorylation of the downstream target Smad2, an essential mediator of TGF-beta signaling (PMID: 15731757). This variant has been reported in individuals affected with Loeys-Dietz syndrome (PMID: 15731757), thoracic aortic aneurysm and dissection (PMID: 31915033), Marfan syndrome (PMID: 38958168), epilepsy (PMID: 33391346), and adolescent idiopathic scoliosis (PMID: 34958866). This variant has also been reported in a few individuals affected with conditions that are not known to be associated with TGFBR2 (PMID: 35727495). This variant has been identified in 3/282182 chromosomes in the general population by the Genome Aggregation Database (gnomAD). The available evidence is insufficient to determine the role of this variant in disease conclusively. Therefore, this variant is classified as a Variant of Uncertain Significance.

CeGaT Center for Human Genetics Tuebingen
Classification: Likely pathogenic. Last evaluated: 2023-03-01. Review status: criteria provided, single submitter. Criteria: CeGaT Center For Human Genetics Tuebingen Variant Classification Criteria Version 2. Collection method: clinical testing. Allele origin: germline. Affected: yes. Observed: 1 variant allele.
Comment: TGFBR2: PVS1:Strong, PM6, PS4:Moderate, PM2:Supporting

Human Genome Sequencing Center Clinical Lab, Baylor College of Medicine
Classification: Likely pathogenic for Loeys-Dietz syndrome 2. Last evaluated: 2018-10-12. Review status: criteria provided, single submitter. Criteria: ACMG Guidelines, 2015. Collection method: clinical testing. Allele origin: germline.
Comment: This c.170-2A>G variant in the TGFBR2 gene is predicted to disrupt a canonical splice donor site and thus alter the wild type mRNA splicing. This variant has been reported in one child affected with Loeys-Dietz Syndrome (PMID 15731757). This variant is extremely rare in general population.Therefore, this c.170-2A>G variant in the TGFBR2 gene is classified as likely pathogenic.

Department of Vascular Biology, Beijing Anzhen Hospital
Classification: Likely pathogenic for Isolated thoracic aortic aneurysm. Last evaluated: 2018-09-01. Review status: criteria provided, single submitter. Criteria: ACMG Guidelines, 2015. Collection method: research. Allele origin: germline. Affected: yes.

Juno Genomics, Hangzhou Juno Genomics, Inc
Classification: Uncertain significance for Colorectal cancer, hereditary nonpolyposis, type 6; Malignant tumor of esophagus; Loeys-Dietz syndrome 2. Review status: criteria provided, single submitter. Criteria: ACMG Guidelines, 2015. Collection method: clinical testing. Allele origin: germline.
Comment: Absent from controls (or at extremely low frequency if recessive) in Genome Aggregation Database.;The prevalence of the variant in affected individuals is significantly increased compared to the prevalence in controls.;Null variant in a gene where loss of function (LOF) is a known mechanism of disease.

OMIM
Classification: Pathogenic for LOEYS-DIETZ SYNDROME 2. Last evaluated: 2005-03-01. Review status: no assertion criteria provided. Collection method: literature only. Allele origin: germline. Not counted in ClinVar's aggregate classification.

Literature cited by the submitters: PubMed 15731757 (cited by 4 submitters); PubMed 33083483 (cited by Labcorp Genetics (formerly Invitae), Labcorp and Ambry Genetics); PubMed 33824467 (cited by Labcorp Genetics (formerly Invitae), Labcorp and Ambry Genetics); PubMed 36517271 (cited by Labcorp Genetics (formerly Invitae), Labcorp and Ambry Genetics); PubMed 31915033 (cited by Ambry Genetics and Color Diagnostics, LLC DBA Color Health); PubMed 34958866 (cited by Ambry Genetics and Color Diagnostics, LLC DBA Color Health); PubMed 38958168 (cited by Ambry Genetics and Color Diagnostics, LLC DBA Color Health); PubMed 33391346 (cited by Color Diagnostics, LLC DBA Color Health); PubMed 35727495 (cited by Color Diagnostics, LLC DBA Color Health).

NM_003242.6(TGFBR2):c.95-2A>G

Gene: TGFBR2 (transforming growth factor beta receptor 2; plus strand). Cytogenetic location: 3p24.1.
Variant type: single nucleotide variant.
Coding change: c.95-2A>G on transcript NM_003242.6 (MANE Select); the canonical splice acceptor site of the intron before coding-DNA position 95, A replaced by G.
Molecular consequence: splice acceptor variant. On other transcripts: intron variant (2).
Genome position (GRCh38, 1-based): chr3:30,644,745, A>G. VCF-style: chr3-30644745-A-G. GRCh37 (hg19) VCF-style: chr3-30686237-A-G.
Other names: IVS1, A-G, -2; c.-11-2A>G (NM_001407129.1, NM_001407132.1, NM_001407136.1 and 3 more transcripts); c.170-2A>G (NM_001407126.1, NM_001024847.3, NM_001407139.1); c.169+21472A>G (NM_001407137.1); c.95-2A>G (NM_001407127.1, NM_001407130.1); c.95-26893A>G (NM_001407138.1); c.122-2A>G (NM_001407128.1).
Identifiers: ClinVar variation 12513 (VCV000012513.47), dbSNP rs779131465, ClinGen allele CA050597.